The following is an entry in ClinVar:

NM_004958.4(MTOR):c.1688A>G (p.His563Arg)

Gene: MTOR (mechanistic target of rapamycin kinase; minus strand). Cytogenetic location: 1p36.22.
Variant type: single nucleotide variant.
Coding change: c.1688A>G on transcript NM_004958.4 (MANE Select); coding-DNA position 1688, A replaced by G.
Protein change: p.His563Arg; replaces histidine 563 with arginine.
Molecular consequence: missense variant.
Genome position (GRCh38, 1-based): chr1:11,240,401, T>C on the plus strand (A>G on the coding strand, the complement: MTOR is on the minus strand). VCF-style: chr1-11240401-T-C. GRCh37 (hg19) VCF-style: chr1-11300458-T-C.
Other names: c.1688A>G, p.His563Arg (NM_001386500.1); c.440A>G, p.His147Arg (NM_001386501.1); short protein forms H147R, H563R.
Identifiers: ClinVar variation 1716731 (VCV001716731.5), dbSNP rs756361363, ClinGen allele CA590665.
Genomic context (GRCh38, chr1:11,240,401, plus strand): 5'-GTGATGCTGCCCACATCGCTGGCCTCAGGGAGGGTCGTGAGGCCAGGAGAGGCCAGCTGA[T>C]GGGCCAGGCCCTTGGGCATGCCTGGGTGGCGAAGGGGTTTGTGCATAAGGACCAGGGACA-3'
Protein context (NP_004949.1, residues 553-573): RHPGMPKGLA[His563Arg]QLASPGLTTL

ClinVar aggregate classification (germline): Uncertain significance (1 of 4 stars; one submission).

Allele frequency attached by ClinVar (database versions not stated): gnomAD exomes below 0.00001; ExAC 0.00001.
gnomAD v4.1: 2 of 1,614,258 alleles (0.00012%); highest among the groups gnomAD compares: Non-Finnish European, 0.00017%; no homozygotes.

Submission:

Labcorp Genetics (formerly Invitae), Labcorp
Classification: Uncertain significance. Last evaluated: 2022-08-19. Review status: criteria provided, single submitter. Criteria: Invitae Variant Classification Sherloc (09022015). Collection method: clinical testing. Allele origin: germline.
Comment: In summary, the available evidence is currently insufficient to determine the role of this variant in disease. Therefore, it has been classified as a Variant of Uncertain Significance. Advanced modeling of protein sequence and biophysical properties (such as structural, functional, and spatial information, amino acid conservation, physicochemical variation, residue mobility, and thermodynamic stability) performed at Invitae indicates that this missense variant is not expected to disrupt MTOR protein function. This variant has not been reported in the literature in individuals affected with MTOR-related conditions. This variant is present in population databases (rs756361363, gnomAD 0.0009%). This sequence change replaces histidine, which is basic and polar, with arginine, which is basic and polar, at codon 563 of the MTOR protein (p.His563Arg).